The following is an entry in ClinVar:

NM_000052.7(ATP7A):c.802C>T (p.Gln268Ter)

Gene: ATP7A (ATPase copper transporting alpha; plus strand). Cytogenetic location: Xq21.1.
Variant type: single nucleotide variant.
Coding change: c.802C>T on transcript NM_000052.7 (MANE Select); coding-DNA position 802, C replaced by T.
Protein change: p.Gln268Ter; replaces glutamine 268 with a stop codon.
Molecular consequence: nonsense.
Genome position (GRCh38, 1-based): chrX:77,989,424, C>T. VCF-style: chrX-77989424-C-T. GRCh37 (hg19) VCF-style: chrX-77244920-C-T.
Other names: c.802C>T, p.Gln268Ter (NM_001282224.2); short protein forms Q268*.
Identifiers: ClinVar variation 1403273 (VCV001403273.6), dbSNP rs2149083118, ClinGen allele CA413600972.

ClinVar aggregate classification (germline): Pathogenic (1 of 4 stars; one submission).

Conditions:
Cutis laxa, X-linked (OHS). Also called: EDS IX; Occipital horn syndrome. Identifiers: Orphanet 198, MedGen C0268353, MONDO:0010572, OMIM 304150.
X-linked distal spinal muscular atrophy type 3. Also called: ATP7A-Related Distal Motor Neuropathy; SPINAL MUSCULAR ATROPHY, DISTAL, X-LINKED RECESSIVE; NEUROPATHY, DISTAL HEREDITARY MOTOR, X-LINKED; NEURONOPATHY, DISTAL HEREDITARY MOTOR, X-LINKED. Identifiers: Orphanet 139557, MedGen C1845359, MONDO:0010338, OMIM 300489.
Menkes kinky-hair syndrome (MNK). Also called: Classic Menkes Disease; Copper transport disease; Menkes Disease. Identifiers: Orphanet 565, MedGen C0022716, MONDO:0010651, OMIM 309400.

Submission:

Labcorp Genetics (formerly Invitae), Labcorp
Classification: Pathogenic for X-linked distal spinal muscular atrophy type 3; Cutis laxa, X-linked; Menkes kinky-hair syndrome. Last evaluated: 2025-05-05. Review status: criteria provided, single submitter. Criteria: Invitae Variant Classification Sherloc (09022015). Collection method: clinical testing. Allele origin: germline.
Comment: This sequence change creates a premature translational stop signal (p.Gln268*) in the ATP7A gene. It is expected to result in an absent or disrupted protein product. Loss-of-function variants in ATP7A are known to be pathogenic (PMID: 11241493, 20652413). This variant is not present in population databases (gnomAD no frequency). This variant has not been reported in the literature in individuals affected with ATP7A-related conditions. ClinVar contains an entry for this variant (Variation ID: 1403273). For these reasons, this variant has been classified as Pathogenic.

Literature cited by the submitters: PubMed 11241493; PubMed 20652413.